The following is an entry in ClinVar:

ClinVar aggregate classification (germline): Conflicting classifications of pathogenicity. Review status: criteria provided, conflicting classifications (1 of 4 stars). 2 submissions from 2 submitters: Uncertain significance (1); Likely benign (1). Last evaluated 2025-02-01.

Allele frequency attached by ClinVar (database versions not stated): TOPMed 0.00001; gnomAD exomes 0.00003; ExAC 0.00005; gnomAD 0.00009.
gnomAD v4.1: 54 of 1,613,780 alleles (0.0033%); highest among the groups gnomAD compares: East Asian, 0.0022%; no homozygotes.

Submissions (2):

CeGaT Center for Human Genetics Tuebingen
Classification: Uncertain significance. Last evaluated: 2025-02-01. Review status: criteria provided, single submitter. Criteria: CeGaT Center For Human Genetics Tuebingen Variant Classification Criteria Version 2. Collection method: clinical testing. Allele origin: germline. Affected: yes. Observed: 1 variant allele.
Comment: COL4A4: PM2

Labcorp Genetics (formerly Invitae), Labcorp
Classification: Likely benign. Last evaluated: 2024-05-15. Review status: criteria provided, single submitter. Criteria: Invitae Variant Classification Sherloc (09022015). Collection method: clinical testing. Allele origin: germline.

NM_000092.5(COL4A4):c.2723G>A (p.Arg908Gln)

Gene: COL4A4 (collagen type IV alpha 4 chain; minus strand). Cytogenetic location: 2q36.3.
Variant type: single nucleotide variant.
Coding change: c.2723G>A on transcript NM_000092.5 (MANE Select); coding-DNA position 2723, G replaced by A.
Protein change: p.Arg908Gln; replaces arginine 908 with glutamine.
Molecular consequence: missense variant.
Genome position (GRCh38, 1-based): chr2:227,054,731, C>T on the plus strand (G>A on the coding strand, the complement: COL4A4 is on the minus strand). VCF-style: chr2-227054731-C-T. GRCh37 (hg19) VCF-style: chr2-227919447-C-T.
Other names: short protein forms R908Q.
Identifiers: ClinVar variation 2071611 (VCV002071611.17), dbSNP rs762409067, ClinGen allele CA2144727.
Genomic context (GRCh38, chr2:227,054,731, plus strand): 5'-CATCCCTCTGCACCAGGCTTTCCTCTTTCTCCGGGAAAACCTGGGAAACCAGGCAGCCCC[C>T]GGGGTCCTGGTGAAATGAGAGCATAAAGTTTTAGGAAAATATTTTATTTGTTATTTATTT-3'
Protein context (NP_000083.3, residues 898-918): LPGPPGPKGP[Arg908Gln]GLPGFPGFPG